The following is an entry in ClinVar:

ClinVar aggregate classification (germline): Uncertain significance (1 of 4 stars; one submission).

Allele frequency attached by ClinVar (database versions not stated): gnomAD exomes below 0.00001.
gnomAD v4.1: 1 of 1,614,240 alleles (0.000062%); highest among the groups gnomAD compares: Non-Finnish European, 0.000085%; no homozygotes.

Submission:

GeneDx
Classification: Uncertain significance. Last evaluated: 2021-09-14. Review status: criteria provided, single submitter. Criteria: GeneDx Variant Classification Process June 2021. Collection method: clinical testing. Allele origin: germline. Affected: yes.
Comment: Not observed in large population cohorts (Lek et al., 2016); In silico analysis supports that this missense variant does not alter protein structure/function; Has not been previously published as pathogenic or benign to our knowledge

NM_000701.8(ATP1A1):c.542A>G (p.Asn181Ser)

Gene: ATP1A1 (ATPase Na+/K+ transporting subunit alpha 1; plus strand). Cytogenetic location: 1p13.1.
Variant type: single nucleotide variant.
Coding change: c.542A>G on transcript NM_000701.8 (MANE Select); coding-DNA position 542, A replaced by G.
Protein change: p.Asn181Ser; replaces asparagine 181 with serine.
Molecular consequence: missense variant.
Genome position (GRCh38, 1-based): chr1:116,388,678, A>G. VCF-style: chr1-116388678-A-G. GRCh37 (hg19) VCF-style: chr1-116931300-A-G.
Other names: c.542A>G, p.Asn181Ser (NM_001160233.2); c.449A>G, p.Asn150Ser (NM_001160234.2); short protein forms N150S, N181S.
Identifiers: ClinVar variation 1300439 (VCV001300439.2), dbSNP rs2101044325, ClinGen allele CA341842514.